The following is an entry in ClinVar:

ClinVar aggregate classification (germline): Likely pathogenic. Review status: criteria provided, multiple submitters, no conflicts (2 of 4 stars). 2 submissions from 2 submitters: Likely pathogenic (2). Last evaluated 2024-04-02.

Conditions:
Breast-ovarian cancer, familial, susceptibility to, 3. Also called: RAD51C-Related Breast/Ovarian Cancer. Identifiers: Orphanet 145, MedGen C3150659, MONDO:0013253, OMIM 613399.
Hereditary cancer-predisposing syndrome. Also called: Tumor predisposition; Hereditary neoplastic syndrome; Hereditary Cancer Syndrome; Neoplastic Syndromes, Hereditary. Identifiers: Orphanet 140162, MedGen C0027672, MeSH D009386, MONDO:0015356.

Submissions (2):

Color Diagnostics, LLC DBA Color Health
Classification: Likely pathogenic for Hereditary cancer-predisposing syndrome. Last evaluated: 2024-04-02. Review status: criteria provided, single submitter. Criteria: ACMG Guidelines, 2015. Collection method: clinical testing. Allele origin: germline.
Comment: This variant causes a G to T nucleotide substitution at the conserved +5G position of intron 5 of the RAD51C gene. Splice site prediction tools suggest that this variant may have a significant impact on RNA splicing. A different substitution c.837+5G>A has been reported to cause the in-frame skipping of exon 5 (ClinVar SCV004449817.1). Exon 5 encodes the Walker B motif in the ATP-binding domain of the protein and the loss of this protein region is expected to result in a nonfunctional protein product (PMID: 1731253). This variant has been reported in an individual affected with ovarian and breast cancer (PMID: 22538716). This variant has not been identified in the general population by the Genome Aggregation Database (gnomAD). Based on the available evidence, this variant is classified as Likely Pathogenic.

Hereditary Cancer Group, L’Institut d'Investigació Biomèdica de Bellvitge
Classification: Likely pathogenic for Breast-ovarian cancer, familial, susceptibility to, 3. Last evaluated: 2021-05-10. Review status: criteria provided, single submitter. Criteria: ACMG Guidelines, 2015. Collection method: curation. Allele origin: germline.

Literature cited by the submitters: PubMed 1731253 (cited by Color Diagnostics, LLC DBA Color Health); PubMed 22538716 (cited by Color Diagnostics, LLC DBA Color Health and Hereditary Cancer Group, L’Institut d'Investigació Biomèdica de Bellvitge).

NM_058216.3(RAD51C):c.837+5G>T

Gene: RAD51C (RAD51 paralog C; plus strand). Cytogenetic location: 17q22.
Variant type: single nucleotide variant.
Coding change: c.837+5G>T on transcript NM_058216.3 (MANE Select); 5 bases into the intron after coding-DNA position 837, G replaced by T.
Molecular consequence: intron variant.
Genome position (GRCh38, 1-based): chr17:58,709,995, G>T. VCF-style: chr17-58709995-G-T. GRCh37 (hg19) VCF-style: chr17-56787356-G-T.
Identifiers: ClinVar variation 1098873 (VCV001098873.2), dbSNP rs1567799952, ClinGen allele CA2573054508.